The following is an entry in ClinVar:

ClinVar aggregate classification (germline): Uncertain significance (1 of 4 stars; one submission).

Allele frequency attached by ClinVar (database versions not stated): gnomAD exomes below 0.00001 and 0.00001; gnomAD 0.00001; TOPMed 0.00001.
gnomAD v4.1: 19 of 1,611,506 alleles (0.0012%); highest among the groups gnomAD compares: Non-Finnish European, 0.0015%; no homozygotes.

Submission:

Labcorp Genetics (formerly Invitae), Labcorp
Classification: Uncertain significance. Last evaluated: 2021-09-01. Review status: criteria provided, single submitter. Criteria: Invitae Variant Classification Sherloc (09022015). Collection method: clinical testing. Allele origin: germline.
Comment: This sequence change replaces aspartic acid with glycine at codon 980 of the DNAH9 protein (p.Asp980Gly). The aspartic acid residue is weakly conserved and there is a moderate physicochemical difference between aspartic acid and glycine. This variant is not present in population databases (ExAC no frequency). This variant has not been reported in the literature in individuals affected with DNAH9-related conditions. Algorithms developed to predict the effect of missense changes on protein structure and function are either unavailable or do not agree on the potential impact of this missense change (SIFT: "Deleterious"; PolyPhen-2: "Benign"; Align-GVGD: "Class C0"). In summary, the available evidence is currently insufficient to determine the role of this variant in disease. Therefore, it has been classified as a Variant of Uncertain Significance.

NM_001372.4(DNAH9):c.2939A>G (p.Asp980Gly)

Genes: DNAH9 (dynein axonemal heavy chain 9; plus strand), LOC126862505 (BRD4-independent group 4 enhancer GRCh37_chr17:11572478-11573677; plus strand). Cytogenetic location: 17p12.
Variant type: single nucleotide variant.
Coding change: c.2939A>G on transcript NM_001372.4 (MANE Select); coding-DNA position 2939, A replaced by G.
Protein change: p.Asp980Gly; replaces aspartic acid 980 with glycine.
Molecular consequence: missense variant.
Genome position (GRCh38, 1-based): chr17:11,669,380, A>G. VCF-style: chr17-11669380-A-G. GRCh37 (hg19) VCF-style: chr17-11572697-A-G.
Other names: short protein forms D980G.
Identifiers: ClinVar variation 1498258 (VCV001498258.5), dbSNP rs753318864, ClinGen allele CA287799512.